The following is an entry in ClinVar:

ClinVar aggregate classification (germline): Uncertain significance (1 of 4 stars; one submission).

Conditions:
Hereditary cancer-predisposing syndrome. Also called: Neoplastic Syndromes, Hereditary; Tumor predisposition; Hereditary Cancer Syndrome; Hereditary neoplastic syndrome. Identifiers: Orphanet 140162, MedGen C0027672, MeSH D009386, MONDO:0015356.

Submission:

Ambry Genetics
Classification: Uncertain significance for Hereditary cancer-predisposing syndrome. Last evaluated: 2018-07-13. Review status: criteria provided, single submitter. Criteria: Ambry Variant Classification Scheme 2023. Collection method: clinical testing. Allele origin: germline.
Comment: The p.E229D variant (also known as c.687G>T), located in coding exon 4 of the MSH6 gene, results from a G to T substitution at nucleotide position 687. The glutamic acid at codon 229 is replaced by aspartic acid, an amino acid with highly similar properties. This amino acid position is not well conserved in available vertebrate species. In addition, this alteration is predicted to be tolerated by in silico analysis. In addition, the CoDP in silico tool predicts this alteration to have minor impact on molecular function, with a score of 0.000 (Terui H et al. J. Biomed. Sci. 2013 Apr;20:25). Since supporting evidence is limited at this time, the clinical significance of this alteration remains unclear.

NM_000179.3(MSH6):c.687G>T (p.Glu229Asp)

Gene: MSH6 (mutS homolog 6; plus strand). Cytogenetic location: 2p16.3.
Variant type: single nucleotide variant.
Coding change: c.687G>T on transcript NM_000179.3 (MANE Select); coding-DNA position 687, G replaced by T.
Protein change: p.Glu229Asp; replaces glutamic acid 229 with aspartic acid.
Molecular consequence: missense variant. On other transcripts: 5 prime UTR variant (2).
Genome position (GRCh38, 1-based): chr2:47,798,670, G>T. VCF-style: chr2-47798670-G-T. GRCh37 (hg19) VCF-style: chr2-48025809-G-T.
Other names: c.297G>T, p.Glu99Asp (NM_001281492.2); c.-220G>T (NM_001281493.2, NM_001281494.2, NM_001406811.1 and 6 more transcripts); c.783G>T, p.Glu261Asp (NM_001406795.1, NM_001406802.1); c.687G>T, p.Glu229Asp (NM_001406796.1, NM_001406798.1, NM_001406800.1 and 4 more transcripts); c.390G>T, p.Glu130Asp (NM_001406797.1, NM_001406801.1, NM_001406805.1 and 10 more transcripts); c.162G>T, p.Glu54Asp (NM_001406799.1, NM_001406806.1, NM_001406807.1); c.609G>T, p.Glu203Asp (NM_001406804.1); c.693G>T, p.Glu231Asp (NM_001406813.1); and 1 more; short protein forms E54D, E99D, E203D, E229D, E261D, E231D, E130D, E173D.
Identifiers: ClinVar variation 1755939 (VCV001755939.2), dbSNP rs758120391, ClinGen allele CA346739914.